The following is an entry in ClinVar:

NM_002437.5(MPV17):c.375+6C>T

Gene: MPV17 (mitochondrial inner membrane protein MPV17; minus strand). Cytogenetic location: 2p23.3.
Variant type: single nucleotide variant.
Coding change: c.375+6C>T on transcript NM_002437.5 (MANE Select); 6 bases into the intron after coding-DNA position 375, C replaced by T.
Molecular consequence: intron variant.
Genome position (GRCh38, 1-based): chr2:27,312,488, G>A on the plus strand (C>T on the coding strand, the complement: MPV17 is on the minus strand). VCF-style: chr2-27312488-G-A. GRCh37 (hg19) VCF-style: chr2-27535355-G-A.
Identifiers: ClinVar variation 2075973 (VCV002075973.3), dbSNP rs1030845017, ClinGen allele CA44518175.

ClinVar aggregate classification (germline): Uncertain significance. Review status: criteria provided, multiple submitters, no conflicts (2 of 4 stars). 2 submissions from 2 submitters: Uncertain significance (2). Last evaluated 2026-01-22.

Allele frequency attached by ClinVar (database versions not stated): gnomAD exomes below 0.00001; gnomAD 0.00002; TOPMed 0.00003.
gnomAD v4.1: 7 of 1,613,612 alleles (0.00043%); highest among the groups gnomAD compares: Admixed American, 0.005%; no homozygotes.

Submissions (2):

Labcorp Genetics (formerly Invitae), Labcorp
Classification: Uncertain significance. Last evaluated: 2026-01-22. Review status: criteria provided, single submitter. Criteria: Invitae Variant Classification Sherloc (09022015). Collection method: clinical testing. Allele origin: germline.
Comment: This sequence change falls in intron 5 of the MPV17 gene. It does not directly change the encoded amino acid sequence of the MPV17 protein. It affects a nucleotide within the consensus splice site. This variant is present in population databases (no rsID available, gnomAD 0.0009%). This variant has not been reported in the literature in individuals affected with MPV17-related conditions. ClinVar contains an entry for this variant (Variation ID: 2075973). Variants that disrupt the consensus splice site are a relatively common cause of aberrant splicing (PMID: 17576681, 9536098). Algorithms developed to predict the effect of sequence changes on RNA splicing suggest that this variant is not likely to affect RNA splicing. In summary, the available evidence is currently insufficient to determine the role of this variant in disease. Therefore, it has been classified as a Variant of Uncertain Significance.

Women's Health and Genetics/Laboratory Corporation of America, LabCorp
Classification: Uncertain significance. Last evaluated: 2024-12-14. Review status: criteria provided, single submitter. Criteria: LabCorp Variant Classification Summary - May 2015. Collection method: clinical testing. Allele origin: germline.

Literature cited by the submitters: PubMed 17576681 (cited by Labcorp Genetics (formerly Invitae), Labcorp); PubMed 9536098 (cited by Labcorp Genetics (formerly Invitae), Labcorp).